The following is an entry in ClinVar:

NM_001127496.3(SPRY4):c.869_886dup (p.Pro295_Asp296insAlaLysThrSerArgPro)

Gene: SPRY4 (sprouty RTK signaling antagonist 4; minus strand). Cytogenetic location: 5q31.3.
Variant type: Duplication.
Coding change: c.869_886dup on transcript NM_001127496.3 (MANE Select); coding-DNA positions 869 to 886, 18 bases duplicated (CCAAGACCAGCAGGCCCG).
Protein change: p.Pro295_Asp296insAlaLysThrSerArgPro.
Genome position (GRCh38, 1-based): chr5:142,314,223-142,314,240, CGGGCCTGCTGGTCTTGG duplicated on the plus strand (CCAAGACCAGCAGGCCCG on the coding strand, the reverse complement: SPRY4 is on the minus strand); duplicating any 18 consecutive bases within chr5:142,314,223-142,314,241 gives the same sequence; the c. name uses the placement nearest the transcript's 3' end. VCF-style (leftmost placement, unchanged base first): chr5-142314222-T-TCGGGCCTGCTGGTCTTGG. GRCh37 (hg19) VCF-style: chr5-141693787-T-TCGGGCCTGCTGGTCTTGG.
Other names: c.869_886dup, p.Pro295_Asp296insAlaLysThrSerArgPro (NM_001293289.3, NM_001293290.3); c.938_955dup, p.Pro318_Asp319insAlaLysThrSerArgPro (NM_030964.5).
Identifiers: ClinVar variation 3654954 (VCV003654954.2).

ClinVar aggregate classification (germline): Uncertain significance (1 of 4 stars; one submission).

Submission:

Labcorp Genetics (formerly Invitae), Labcorp
Classification: Uncertain significance. Last evaluated: 2024-09-10. Review status: criteria provided, single submitter. Criteria: Invitae Variant Classification Sherloc (09022015). Collection method: clinical testing. Allele origin: germline.
Comment: This variant, c.938_955dup, results in the insertion of 6 amino acid(s) of the SPRY4 protein (p.Ala313_Pro318dup), but otherwise preserves the integrity of the reading frame. This variant is not present in population databases (gnomAD no frequency). This variant has not been reported in the literature in individuals affected with SPRY4-related conditions. In summary, the available evidence is currently insufficient to determine the role of this variant in disease. Therefore, it has been classified as a Variant of Uncertain Significance.